The following is an entry in ClinVar:

ClinVar aggregate classification (germline): Uncertain significance (1 of 4 stars; one submission).

Conditions:
Duchenne muscular dystrophy (DMD). Also called: MUSCULAR DYSTROPHY, PSEUDOHYPERTROPHIC PROGRESSIVE, DUCHENNE TYPE; Duchenne Muscular Dystrophy (DMD). Identifiers: Orphanet 98896, MedGen C0013264, MONDO:0010679, OMIM 310200.

Submission:

Labcorp Genetics (formerly Invitae), Labcorp
Classification: Uncertain significance for Duchenne muscular dystrophy. Last evaluated: 2024-05-15. Review status: criteria provided, single submitter. Criteria: Invitae Variant Classification Sherloc (09022015). Collection method: clinical testing. Allele origin: germline.
Comment: This sequence change replaces isoleucine, which is neutral and non-polar, with leucine, which is neutral and non-polar, at codon 3578 of the DMD protein (p.Ile3578Leu). This variant is not present in population databases (gnomAD no frequency). This variant has not been reported in the literature in individuals affected with DMD-related conditions. Advanced modeling of protein sequence and biophysical properties (such as structural, functional, and spatial information, amino acid conservation, physicochemical variation, residue mobility, and thermodynamic stability) performed at Invitae indicates that this missense variant is not expected to disrupt DMD protein function with a negative predictive value of 95%. In summary, the available evidence is currently insufficient to determine the role of this variant in disease. Therefore, it has been classified as a Variant of Uncertain Significance.

NM_004006.3(DMD):c.10732A>C (p.Ile3578Leu)

Gene: DMD (dystrophin; minus strand). Cytogenetic location: Xp21.2.
Variant type: single nucleotide variant.
Coding change: c.10732A>C on transcript NM_004006.3 (MANE Select); coding-DNA position 10732, A replaced by C.
Protein change: p.Ile3578Leu; replaces isoleucine 3578 with leucine.
Molecular consequence: missense variant.
Genome position (GRCh38, 1-based): chrX:31,147,340, T>G on the plus strand (A>C on the coding strand, the complement: DMD is on the minus strand). VCF-style: chrX-31147340-T-G. GRCh37 (hg19) VCF-style: chrX-31165457-T-G.
Other names: c.10708A>C, p.Ile3570Leu (NM_000109.4); c.10720A>C, p.Ile3574Leu (NM_004009.3); c.10363A>C, p.Ile3455Leu (NM_004010.3); c.6709A>C, p.Ile2237Leu (NM_004011.4); c.6700A>C, p.Ile2234Leu (NM_004012.4); c.3352A>C, p.Ile1118Leu (NM_004013.3, NM_004021.3); c.2545A>C, p.Ile849Leu (NM_004014.3); c.1528A>C, p.Ile510Leu (NM_004015.3, NM_004016.3); and 3 more; short protein forms I1105L, I2237L, I510L, I1008L, I1118L, I3455L, I3570L, I3578L.
Identifiers: ClinVar variation 3675740 (VCV003675740.2).